The following is an entry in ClinVar:

ClinVar aggregate classification (germline): Uncertain significance. Review status: criteria provided, multiple submitters, no conflicts (2 of 4 stars). 2 submissions from 2 submitters: Uncertain significance (2). Last evaluated 2025-02-03.

Conditions:
Hereditary cancer-predisposing syndrome. Also called: Neoplastic Syndromes, Hereditary; Hereditary Cancer Syndrome; Tumor predisposition; Hereditary neoplastic syndrome. Identifiers: Orphanet 140162, MedGen C0027672, MeSH D009386, MONDO:0015356.
EGFR-related lung cancer (EGFR). Identifiers: MedGen CN130014.

Submissions (2):

Ambry Genetics
Classification: Uncertain significance for Hereditary cancer-predisposing syndrome. Last evaluated: 2025-02-03. Review status: criteria provided, single submitter. Criteria: Ambry Variant Classification Scheme 2023. Collection method: clinical testing. Allele origin: germline.
Comment: The p.E1137Q variant (also known as c.3409G>C), located in coding exon 28 of the EGFR gene, results from a G to C substitution at nucleotide position 3409. The glutamic acid at codon 1137 is replaced by glutamine, an amino acid with highly similar properties. This amino acid position is conserved. In addition, the in silico prediction for this alteration is inconclusive. Based on the available evidence, the clinical significance of this variant remains unclear.

Labcorp Genetics (formerly Invitae), Labcorp
Classification: Uncertain significance for EGFR-related lung cancer. Last evaluated: 2020-04-20. Review status: criteria provided, single submitter. Criteria: Invitae Variant Classification Sherloc (09022015). Collection method: clinical testing. Allele origin: germline.
Comment: In summary, the available evidence is currently insufficient to determine the role of this variant in disease. Therefore, it has been classified as a Variant of Uncertain Significance. Algorithms developed to predict the effect of missense changes on protein structure and function are either unavailable or do not agree on the potential impact of this missense change (SIFT: "Deleterious"; PolyPhen-2: "Probably Damaging"; Align-GVGD: "Class C0"). This variant has not been reported in the literature in individuals with EGFR-related conditions. This variant is not present in population databases (ExAC no frequency). This sequence change replaces glutamic acid with glutamine at codon 1137 of the EGFR protein (p.Glu1137Gln). The glutamic acid residue is highly conserved and there is a small physicochemical difference between glutamic acid and glutamine.

NM_005228.5(EGFR):c.3409G>C (p.Glu1137Gln)

Gene: EGFR (epidermal growth factor receptor; plus strand). Cytogenetic location: 7p11.2.
Variant type: single nucleotide variant.
Coding change: c.3409G>C on transcript NM_005228.5 (MANE Select); coding-DNA position 3409, G replaced by C.
Protein change: p.Glu1137Gln; replaces glutamic acid 1137 with glutamine.
Molecular consequence: missense variant.
Genome position (GRCh38, 1-based): chr7:55,205,393, G>C. VCF-style: chr7-55205393-G-C. GRCh37 (hg19) VCF-style: chr7-55273086-G-C.
Other names: c.3274G>C, p.Glu1092Gln (NM_001346899.2); c.3250G>C, p.Glu1084Gln (NM_001346900.2); c.2608G>C, p.Glu870Gln (NM_001346941.2); c.3409G>C (NM_005228.3); short protein forms E1084Q, E1137Q, E870Q, E1092Q.
Identifiers: ClinVar variation 1037721 (VCV001037721.9), dbSNP rs780967013, ClinGen allele CA367584551.